The following is an entry in ClinVar:

NM_001376.5(DYNC1H1):c.641C>T (p.Thr214Ile)

Gene: DYNC1H1 (dynein cytoplasmic 1 heavy chain 1; plus strand). Cytogenetic location: 14q32.31.
Variant type: single nucleotide variant.
Coding change: c.641C>T on transcript NM_001376.5 (MANE Select); coding-DNA position 641, C replaced by T.
Protein change: p.Thr214Ile; replaces threonine 214 with isoleucine.
Molecular consequence: missense variant.
Genome position (GRCh38, 1-based): chr14:101,979,841, C>T. VCF-style: chr14-101979841-C-T. GRCh37 (hg19) VCF-style: chr14-102446178-C-T.
Other names: short protein forms T214I.
Identifiers: ClinVar variation 1497318 (VCV001497318.8), dbSNP rs2141269742, ClinGen allele CA391008479.

ClinVar aggregate classification (germline): Uncertain significance (1 of 4 stars; one submission).

Conditions:
Charcot-Marie-Tooth disease axonal type 2O. Also called: CHARCOT-MARIE-TOOTH NEUROPATHY, AXONAL, TYPE 2O; CHARCOT-MARIE-TOOTH DISEASE, AXONAL, AUTOSOMAL DOMINANT, TYPE 2O; Charcot-Marie-Tooth Neuropathy Type 2O; Charcot-Marie-Tooth disease, axonal, type 20. Identifiers: Orphanet 284232, MedGen C3280220, MONDO:0013644, OMIM 614228.

Allele frequency attached by ClinVar (database versions not stated): gnomAD exomes below 0.00001.
gnomAD v4.1: 4 of 1,614,178 alleles (0.00025%); highest among the groups gnomAD compares: Admixed American, 0.005%; no homozygotes.

Submission:

Labcorp Genetics (formerly Invitae), Labcorp
Classification: Uncertain significance for Charcot-Marie-Tooth disease axonal type 2O. Last evaluated: 2020-12-25. Review status: criteria provided, single submitter. Criteria: Invitae Variant Classification Sherloc (09022015). Collection method: clinical testing. Allele origin: germline.
Comment: This sequence change replaces threonine with isoleucine at codon 214 of the DYNC1H1 protein (p.Thr214Ile). The threonine residue is moderately conserved and there is a moderate physicochemical difference between threonine and isoleucine. In summary, the available evidence is currently insufficient to determine the role of this variant in disease. Therefore, it has been classified as a Variant of Uncertain Significance. Advanced modeling of protein sequence and biophysical properties (such as structural, functional, and spatial information, amino acid conservation, physicochemical variation, residue mobility, and thermodynamic stability) performed at Invitae indicates that this missense variant is not expected to disrupt DYNC1H1 protein function. This variant has not been reported in the literature in individuals with DYNC1H1-related conditions. This variant is not present in population databases (ExAC no frequency).